The following is an entry in ClinVar:

ClinVar aggregate classification (germline): Conflicting classifications of pathogenicity. Review status: criteria provided, conflicting classifications (1 of 4 stars). 6 submissions from 6 submitters: Uncertain significance (5); Likely benign (1). Last evaluated 2026-08-19.

Conditions:
ANK2-related disorder. Also called: ANK2-related condition.
Cardiovascular phenotype. Identifiers: MedGen CN230736.
Cardiac arrhythmia, ankyrin-B-related. Also called: ANKYRIN-B SYNDROME. Identifiers: Orphanet 101016, Orphanet 768, MedGen C1970119, MONDO:0010958, OMIM 600919.
Long QT syndrome (LQTS). Identifiers: MedGen C0023976, MeSH D008133, MONDO:0002442. Disease mechanism: loss of function. Inheritance: Various modes of inheritance.

Allele frequency attached by ClinVar (database versions not stated): ExAC 0.00002; gnomAD exomes 0.00002 and 0.00003; TOPMed 0.00003; gnomAD 0.00005 and 0.00006.
gnomAD v4.1: 50 of 1,613,842 alleles (0.0031%); highest among the groups gnomAD compares: Admixed American, 0.0083%; no homozygotes.

Submissions (6):

GeneDx
Classification: Uncertain significance. Last evaluated: 2026-08-19. Review status: criteria provided, single submitter. Criteria: GeneDx Variant Classification Process June 2021. Collection method: clinical testing. Allele origin: germline.
Comment: In silico analysis supports that this missense variant has a deleterious effect on protein structure/function; This variant is associated with the following publications: (PMID: 26899768, 28166282, 27930701)

PreventionGenetics, part of Exact Sciences
Classification: Uncertain significance for ANK2-related condition. Last evaluated: 2026-08-02. Review status: criteria provided, single submitter. Criteria: ACMG Guidelines, 2015. Collection method: clinical testing. Allele origin: germline.
Comment: The ANK2 c.10948G>C variant is predicted to result in the amino acid substitution p.Glu3650Gln. This variant has been reported in individuals with dilated cardiomyopathy and sudden unexplained death (Table 3S, Cuenca et al. 2016. PubMed ID: 26899768; Sanchez et al. 2016. PubMed ID: 27930701). This variant has also been reported in an individual with autism spectrum disorder and short stature (described as p.Glu1556Gln in Family 4 in Table S5, Montalbano et al. 2018. PubMed ID: 29706635). This variant is reported in 0.0056% of alleles in individuals of Latino descent in gnomAD. Although we suspect that this variant may be benign, at this time, the clinical significance of this variant is uncertain due to the absence of conclusive functional and genetic evidence.

Labcorp Genetics (formerly Invitae), Labcorp
Classification: Uncertain significance for Long QT syndrome. Last evaluated: 2025-12-24. Review status: criteria provided, single submitter. Criteria: Invitae Variant Classification Sherloc (09022015). Collection method: clinical testing. Allele origin: germline.
Comment: This sequence change replaces glutamic acid, which is acidic and polar, with glutamine, which is neutral and polar, at codon 3650 of the ANK2 protein (p.Glu3650Gln). This variant is present in population databases (rs746987182, gnomAD 0.006%). This variant has not been reported in the literature in individuals affected with ANK2-related conditions. ClinVar contains an entry for this variant (Variation ID: 190576). Invitae Evidence Modeling of protein sequence and biophysical properties (such as structural, functional, and spatial information, amino acid conservation, physicochemical variation, residue mobility, and thermodynamic stability) indicates that this missense variant is not expected to disrupt ANK2 protein function with a negative predictive value of 80%. In summary, the available evidence is currently insufficient to determine the role of this variant in disease. Therefore, it has been classified as a Variant of Uncertain Significance.

Ambry Genetics
Classification: Uncertain significance for Cardiovascular phenotype. Last evaluated: 2025-04-02. Review status: criteria provided, single submitter. Criteria: Ambry Variant Classification Scheme 2023. Collection method: clinical testing. Allele origin: germline.
Comment: The p.E3650Q variant (also known as c.10948G>C), located in coding exon 41 of the ANK2 gene, results from a G to C substitution at nucleotide position 10948. The glutamic acid at codon 3650 is replaced by glutamine, an amino acid with highly similar properties. This variant was detected on exome sequencing in an individual with short stature and autism spectrum disorder (Montalbano A et al. Eur J Hum Genet, 2018 08;26:1113-1120). According to data from gnomAD, the frequency for this variant is above the maximum credible frequency for a cardiac disease-causing variant in this gene based on internally established thresholds (Karczewski et al. Nature. 2020 May;581(7809):434-443; Whiffin et al. Genet Med. 2017 10;19:1151-1158). This amino acid position is highly conserved in available vertebrate species. In addition, this alteration is predicted to be deleterious by in silico analysis. Based on the supporting evidence, the association of this alteration with ANK2-related neurodevelopmental disorder is unknown; however, the association with ANK2-related arrhythmia is unlikely.

Blueprint Genetics
Classification: Likely benign. Last evaluated: 2024-10-24. Review status: criteria provided, single submitter. Criteria: ACMG Guidelines, 2015. Collection method: clinical testing. Allele origin: germline.

Fulgent Genetics
Classification: Uncertain significance for Cardiac arrhythmia, ankyrin-B-related. Last evaluated: 2021-08-31. Review status: criteria provided, single submitter. Criteria: ACMG Guidelines, 2015. Collection method: clinical testing. Allele origin: unknown.

Literature cited by the submitters: PubMed 26899768 (cited by Ambry Genetics); PubMed 27930701 (cited by Ambry Genetics); PubMed 28166282 (cited by Ambry Genetics); PubMed 29706635 (cited by Ambry Genetics).

NM_001148.6(ANK2):c.10948G>C (p.Glu3650Gln)

Gene: ANK2 (ankyrin 2; plus strand). Cytogenetic location: 4q26.
Variant type: single nucleotide variant.
Coding change: c.10948G>C on transcript NM_001148.6 (MANE Select); coding-DNA position 10948, G replaced by C.
Protein change: p.Glu3650Gln; replaces glutamic acid 3650 with glutamine.
Molecular consequence: missense variant.
Genome position (GRCh38, 1-based): chr4:113,365,098, G>C. VCF-style: chr4-113365098-G-C. GRCh37 (hg19) VCF-style: chr4-114286254-G-C.
Other names: p.E3650Q:GAG>CAG; c.4666G>C, p.Glu1556Gln (NM_001127493.3); c.4705G>C, p.Glu1569Gln (NM_001354225.2); c.4594G>C, p.Glu1532Gln (NM_001354228.2, NM_001354258.2); c.4672G>C, p.Glu1558Gln (NM_001354230.2); c.4735G>C, p.Glu1579Gln (NM_001354231.2, NM_001354242.2); c.4729G>C, p.Glu1577Gln (NM_001354232.2); c.4690G>C, p.Glu1564Gln (NM_001354235.2, NM_001354246.2, NM_001354265.2); and 36 more; short protein forms E1556Q, E3650Q, E1478Q, E1487Q, E1503Q, E1522Q, E1555Q, E1465Q.
Identifiers: ClinVar variation 190576 (VCV000190576.16), dbSNP rs746987182, ClinGen allele CA300938.